The following is an entry in ClinVar:

NM_000271.5(NPC1):c.1947+16_1947+17insGTGG

Gene: NPC1 (NPC intracellular cholesterol transporter 1; minus strand). Cytogenetic location: 18q11.2.
Variant type: Insertion.
Coding change: c.1947+16_1947+17insGTGG on transcript NM_000271.5 (MANE Select); bases 16 to 17 of the intron after coding-DNA position 1947, GTGG inserted.
Molecular consequence: intron variant.
Genome position: GRCh38 VCF-style: chr18-23544943-A-ACCAC. GRCh37 (hg19) VCF-style: chr18-21124907-A-ACCAC.
Other names: p.?; c.1947+16_1947+17insGGGT (NM_000271.5).
Identifiers: ClinVar variation 1562279 (VCV001562279.11), dbSNP rs55809701, ClinGen allele CA777724940.

ClinVar aggregate classification (germline): Likely benign. Review status: criteria provided, multiple submitters, no conflicts (2 of 4 stars). 4 submissions from 4 submitters: Likely benign (3). 1 of the submissions does not count toward it. Last evaluated 2026-01-09.

Conditions:
Niemann-Pick disease, type C1. Also called: NEUROVISCERAL STORAGE DISEASE WITH VERTICAL SUPRANUCLEAR OPHTHALMOPLEGIA; NIEMANN-PICK DISEASE WITH CHOLESTEROL ESTERIFICATION BLOCK; NIEMANN-PICK DISEASE WITHOUT SPHINGOMYELINASE DEFICIENCY; NIEMANN-PICK DISEASE, CHRONIC NEURONOPATHIC FORM; NIEMANN-PICK DISEASE, VARIANT TYPE C1. Identifiers: Orphanet 646, MedGen C3179455, MONDO:0009757, OMIM 257220.
NPC1-related disorder. Also called: NPC1-related condition.

Submissions (4):

Labcorp Genetics (formerly Invitae), Labcorp
Classification: Likely benign for Niemann-Pick disease, type C1. Last evaluated: 2026-01-09. Review status: criteria provided, single submitter. Criteria: Invitae Variant Classification Sherloc (09022015). Collection method: clinical testing. Allele origin: germline.

Mayo Clinic Laboratories, Mayo Clinic
Classification: Likely benign. Last evaluated: 2024-10-09. Review status: criteria provided, single submitter. Criteria: ACMG Guidelines, 2015. Collection method: clinical testing. Allele origin: germline. Observed: 1 variant allele.

Blueprint Genetics
Classification: Likely benign. Last evaluated: 2024-05-20. Review status: criteria provided, single submitter. Criteria: ACMG Guidelines, 2015. Collection method: clinical testing. Allele origin: germline.

PreventionGenetics, part of Exact Sciences
Classification: Likely benign for NPC1-related condition. Last evaluated: 2024-06-10. Review status: no assertion criteria provided. Collection method: clinical testing. Allele origin: germline. Not counted in ClinVar's aggregate classification.
Comment: This variant is classified as likely benign based on ACMG/AMP sequence variant interpretation guidelines (Richards et al. 2015 PMID: 25741868, with internal and published modifications).